The following is an entry in ClinVar:

ClinVar aggregate classification (germline): Uncertain significance (1 of 4 stars; one submission).

Conditions:
Agammaglobulinemia 3, autosomal recessive (AGM3). Also called: AGAMMAGLOBULINEMIA 3; AGAMMAGLOBULINEMIA, AUTOSOMAL RECESSIVE, DUE TO CD79A DEFECT. Identifiers: MedGen C3150751, MONDO:0013288, OMIM 613501.

Submission:

Labcorp Genetics (formerly Invitae), Labcorp
Classification: Uncertain significance for Agammaglobulinemia 3, autosomal recessive. Last evaluated: 2018-01-18. Review status: criteria provided, single submitter. Criteria: Invitae Variant Classification Sherloc (09022015). Collection method: clinical testing. Allele origin: germline.
Comment: In summary, the available evidence is currently insufficient to determine the role of this variant in disease. Therefore, it has been classified as a Variant of Uncertain Significance. Algorithms developed to predict the effect of missense changes on protein structure and function do not agree on the potential impact of this missense change (SIFT: "Deleterious"; PolyPhen-2: "Possibly Damaging"; Align-GVGD: "Class C0"). This variant has not been reported in the literature in individuals with CD79A-related disease. This variant is not present in population databases (ExAC no frequency). This sequence change replaces arginine with glycine at codon 168 of the CD79A protein (p.Arg168Gly). The arginine residue is highly conserved and there is a moderate physicochemical difference between arginine and glycine.

NM_001783.4(CD79A):c.502C>G (p.Arg168Gly)

Genes: CD79A (CD79a molecule; plus strand), RPS19-CD79A (RPS19-CD79A readthrough; plus strand). Cytogenetic location: 19q13.2.
Variant type: single nucleotide variant.
Coding change: c.502C>G on transcript NM_001783.4 (MANE Select); coding-DNA position 502, C replaced by G.
Protein change: p.Arg168Gly; replaces arginine 168 with glycine.
Molecular consequence: missense variant.
Genome position (GRCh38, 1-based): chr19:41,880,673, C>G. VCF-style: chr19-41880673-C-G. GRCh37 (hg19) VCF-style: chr19-42384740-C-G.
Other names: c.388C>G, p.Arg130Gly (NM_021601.4); short protein forms R168G, R130G.
Identifiers: ClinVar variation 577876 (VCV000577876.8), dbSNP rs1555844064, ClinGen allele CA406037072.